The following is an entry in ClinVar:

NM_000929.3(PLA2G5):c.17C>T (p.Pro6Leu)

Gene: PLA2G5 (phospholipase A2 group V; plus strand). Cytogenetic location: 1p36.13.
Variant type: single nucleotide variant.
Coding change: c.17C>T on transcript NM_000929.3 (MANE Select); coding-DNA position 17, C replaced by T.
Protein change: p.Pro6Leu; replaces proline 6 with leucine.
Molecular consequence: missense variant.
Genome position (GRCh38, 1-based): chr1:20,084,847, C>T. VCF-style: chr1-20084847-C-T. GRCh37 (hg19) VCF-style: chr1-20411340-C-T.
Other names: short protein forms P6L.
Identifiers: ClinVar variation 1498104 (VCV001498104.8), dbSNP rs2100616205, ClinGen allele CA338818954.

ClinVar aggregate classification (germline): Uncertain significance (1 of 4 stars; one submission).

Submission:

Labcorp Genetics (formerly Invitae), Labcorp
Classification: Uncertain significance. Last evaluated: 2023-04-24. Review status: criteria provided, single submitter. Criteria: Invitae Variant Classification Sherloc (09022015). Collection method: clinical testing. Allele origin: germline.
Comment: This variant is not present in population databases (gnomAD no frequency). This sequence change replaces proline, which is neutral and non-polar, with leucine, which is neutral and non-polar, at codon 6 of the PLA2G5 protein (p.Pro6Leu). This variant has not been reported in the literature in individuals affected with PLA2G5-related conditions. In summary, the available evidence is currently insufficient to determine the role of this variant in disease. Therefore, it has been classified as a Variant of Uncertain Significance. An algorithm developed to predict the effect of missense changes on protein structure and function (PolyPhen-2) suggests that this variant is likely to be tolerated. ClinVar contains an entry for this variant (Variation ID: 1498104).